The following is an entry in ClinVar:

NM_001267550.2(TTN):c.94220-2A>G

Genes: TTN-AS1 (TTN antisense RNA 1; plus strand), TTN (titin; minus strand). Cytogenetic location: 2q31.2.
Variant type: single nucleotide variant.
Coding change: c.94220-2A>G on transcript NM_001267550.2 (MANE Select); the canonical splice acceptor site of the intron before coding-DNA position 94220, A replaced by G.
Molecular consequence: splice acceptor variant.
Genome position (GRCh38, 1-based): chr2:178,547,307, T>C on the plus strand (A>G on the coding strand, the complement: TTN is on the minus strand). VCF-style: chr2-178547307-T-C. GRCh37 (hg19) VCF-style: chr2-179412034-T-C.
Other names: c.67025-2A>G (NM_003319.4); c.67601-2A>G (NM_133437.4); c.67400-2A>G (NM_133432.3); c.86516-2A>G (NM_133378.4); c.89297-2A>G (NM_001256850.1).
Identifiers: ClinVar variation 2951263 (VCV002951263.3), dbSNP rs2469086767, ClinGen allele CA349476479.

ClinVar aggregate classification (germline): Likely pathogenic (1 of 4 stars; one submission).

Conditions:
Dilated cardiomyopathy 1G (CMD1G). Identifiers: Orphanet 154, MedGen C1858763, MONDO:0011400, OMIM 604145.
Autosomal recessive limb-girdle muscular dystrophy type 2J (LGMDR10). Also called: Limb-girdle muscular dystrophy, type 2J; MUSCULAR DYSTROPHY, LIMB-GIRDLE, AUTOSOMAL RECESSIVE 10. Identifiers: Orphanet 140922, MedGen C1837342, MONDO:0012127, OMIM 608807.

Submission:

Labcorp Genetics (formerly Invitae), Labcorp
Classification: Likely pathogenic for Dilated cardiomyopathy 1G; Autosomal recessive limb-girdle muscular dystrophy type 2J. Last evaluated: 2023-08-25. Review status: criteria provided, single submitter. Criteria: Invitae Variant Classification Sherloc (09022015). Collection method: clinical testing. Allele origin: germline.
Comment: This variant is located in the A band of TTN (PMID: 25589632). Truncating variants in this region are significantly overrepresented in patients affected with dilated cardiomyopathy (PMID: 25589632). Truncating variants in this region have also been reported in individuals affected with autosomal recessive centronuclear myopathy (PMID: 23975875). In summary, the currently available evidence indicates that the variant is pathogenic, but additional data are needed to prove that conclusively. Therefore, this variant has been classified as Likely Pathogenic. Algorithms developed to predict the effect of sequence changes on RNA splicing suggest that this variant may disrupt the consensus splice site. This variant has not been reported in the literature in individuals affected with TTN-related conditions. This variant is not present in population databases (gnomAD no frequency). This sequence change affects an acceptor splice site in intron 339 of the TTN gene. It is expected to disrupt RNA splicing and likely results in a truncated or disrupted TTN protein.

Literature cited by the submitters: PubMed 25589632; PubMed 23975875.